The following is an entry in ClinVar:

ClinVar aggregate classification (germline): Uncertain significance (0 of 4 stars; one submission).

Conditions:
POMC-related disorder. Also called: POMC-related condition; POMC-related disorders.

Submission:

PreventionGenetics, part of Exact Sciences
Classification: Uncertain significance for POMC-related condition. Last evaluated: 2024-05-15. Review status: no assertion criteria provided. Collection method: clinical testing. Allele origin: germline.
Comment: The POMC c.502T>C variant is predicted to result in the amino acid substitution p.Ser168Pro. This variant was observed in a cohort of individuals with obesity, and in vitro functional studies showed this variant did not reduce protein function and could cause increased function (Supplemental Data Set 3, Shah et al. 2023. PubMed ID: 36864747). This variant is reported in 0.0019% of alleles in individuals of European (Non-Finnish) descent in gnomAD. At this time, the clinical significance of this variant is uncertain due to the absence of conclusive functional and genetic evidence.

NM_000939.4(POMC):c.502T>C (p.Ser168Pro)

Gene: POMC (proopiomelanocortin; minus strand). Cytogenetic location: 2p23.3.
Variant type: single nucleotide variant.
Coding change: c.502T>C on transcript NM_000939.4 (MANE Select); coding-DNA position 502, T replaced by C.
Protein change: p.Ser168Pro; replaces serine 168 with proline.
Molecular consequence: missense variant.
Genome position (GRCh38, 1-based): chr2:25,161,383, A>G on the plus strand (T>C on the coding strand, the complement: POMC is on the minus strand). VCF-style: chr2-25161383-A-G. GRCh37 (hg19) VCF-style: chr2-25384252-A-G.
Other names: c.502T>C, p.Ser168Pro (NM_001035256.3, NM_001319204.2, NM_001319205.2); short protein forms S168P.
Identifiers: ClinVar variation 3345648 (VCV003345648.1).